The following is an entry in ClinVar:

NM_000428.3(LTBP2):c.3847T>G (p.Tyr1283Asp)

Gene: LTBP2 (latent transforming growth factor beta binding protein 2; minus strand). Cytogenetic location: 14q24.3.
Variant type: single nucleotide variant.
Coding change: c.3847T>G on transcript NM_000428.3 (MANE Select); coding-DNA position 3847, T replaced by G.
Protein change: p.Tyr1283Asp; replaces tyrosine 1283 with aspartic acid.
Molecular consequence: missense variant.
Genome position (GRCh38, 1-based): chr14:74,507,239, A>C on the plus strand (T>G on the coding strand, the complement: LTBP2 is on the minus strand). VCF-style: chr14-74507239-A-C. GRCh37 (hg19) VCF-style: chr14-74973942-A-C.
Other names: short protein forms Y1283D.
Identifiers: ClinVar variation 3659002 (VCV003659002.2).
Genomic context (GRCh38, chr14:74,507,239, plus strand): 5'-CAATGCAGTCTCCGTTCGGGGCCATGTGGAAGCCAGGCTGGCAGCCCAGAACACAGCGGT[A>C]GGAGCCAGGGCTGTTTTCACACTTCCAGGTGCCACACACCGGGTCTCCATAGTCCTCACA-3'
Protein context (NP_000419.1, residues 1273-1293): TWKCENSPGS[Tyr1283Asp]RCVLGCQPGF

ClinVar aggregate classification (germline): Uncertain significance (1 of 4 stars; one submission).

Submission:

Labcorp Genetics (formerly Invitae), Labcorp
Classification: Uncertain significance. Last evaluated: 2024-09-14. Review status: criteria provided, single submitter. Criteria: Invitae Variant Classification Sherloc (09022015). Collection method: clinical testing. Allele origin: germline.
Comment: This sequence change replaces tyrosine, which is neutral and polar, with aspartic acid, which is acidic and polar, at codon 1283 of the LTBP2 protein (p.Tyr1283Asp). This variant is not present in population databases (gnomAD no frequency). This variant has not been reported in the literature in individuals affected with LTBP2-related conditions. An algorithm developed to predict the effect of missense changes on protein structure and function (PolyPhen-2) suggests that this variant is likely to be disruptive. In summary, the available evidence is currently insufficient to determine the role of this variant in disease. Therefore, it has been classified as a Variant of Uncertain Significance.